The following is an entry in ClinVar:

NM_004168.4(SDHA):c.822C>A (p.Gly274=)

Gene: SDHA (succinate dehydrogenase complex flavoprotein subunit A; plus strand). Cytogenetic location: 5p15.33.
Variant type: single nucleotide variant.
Coding change: c.822C>A on transcript NM_004168.4 (MANE Select); coding-DNA position 822, C replaced by A.
Protein change: p.Gly274=; no amino-acid change (glycine 274 retained).
Molecular consequence: synonymous variant.
Genome position (GRCh38, 1-based): chr5:230,927, C>A. VCF-style: chr5-230927-C-A. GRCh37 (hg19) VCF-style: chr5-231042-C-A.
Other names: c.822C>A (NM_004168.2); c.678C>A, p.Gly226= (NM_001294332.2); c.822C>A, p.Gly274= (NM_001330758.2).
Identifiers: ClinVar variation 472404 (VCV000472404.11), dbSNP rs34771391, ClinGen allele CA442691490.
Genomic context (GRCh38, chr5:230,927, plus strand): 5'-TGTTTCCAGAGGCTACGGGCGCACCTACTTCAGCTGCACGTCTGCCCACACCAGCACTGG[C>A]GACGGCACGGCCATGATCACCAGGGCAGGCCTTCCTTGCCAGGACCTAGAGTTTGTTCAG-3'
Protein context (NP_004159.2, residues 264-284): FSCTSAHTST[Gly274=]DGTAMITRAG

ClinVar aggregate classification (germline): Benign/Likely benign. Review status: criteria provided, multiple submitters, no conflicts (2 of 4 stars). 3 submissions from 3 submitters: Benign (1); Likely benign (2). Last evaluated 2025-03-03.

Conditions:
Hereditary cancer-predisposing syndrome. Also called: Neoplastic Syndromes, Hereditary; Hereditary Cancer Syndrome; Hereditary neoplastic syndrome; Tumor predisposition. Identifiers: Orphanet 140162, MedGen C0027672, MeSH D009386, MONDO:0015356.
Mitochondrial complex II deficiency, nuclear type 1. Also called: SUCCINATE CoQ REDUCTASE DEFICIENCY. Identifiers: Orphanet 3208, MedGen C5700310, MONDO:0100294, OMIM 252011.
Pheochromocytoma/paraganglioma syndrome 5. Also called: Paragangliomas 5; SDHA-Related Hereditary Paraganglioma-Pheochromocytoma Syndrome. Identifiers: Orphanet 29072, MedGen C3279992, MONDO:0013602, OMIM 614165.

Submissions (3):

Myriad Genetics, Inc.
Classification: Benign for Pheochromocytoma/paraganglioma syndrome 5. Last evaluated: 2025-03-03. Review status: criteria provided, single submitter. Criteria: Myriad Autosomal Dominant, Autosomal Recessive and X-Linked Classification Criteria (2023). Collection method: clinical testing. Allele origin: unknown.
Comment: This variant is considered benign. This variant is a silent/synonymous amino acid change and it is not expected to impact splicing.

Ambry Genetics
Classification: Likely benign for Hereditary cancer-predisposing syndrome. Last evaluated: 2024-08-20. Review status: criteria provided, single submitter. Criteria: Ambry Variant Classification Scheme 2023. Collection method: clinical testing. Allele origin: germline.

Labcorp Genetics (formerly Invitae), Labcorp
Classification: Likely benign for Pheochromocytoma/paraganglioma syndrome 5; Mitochondrial complex II deficiency, nuclear type 1. Last evaluated: 2024-06-19. Review status: criteria provided, single submitter. Criteria: Invitae Variant Classification Sherloc (09022015). Collection method: clinical testing. Allele origin: germline.